The following is an entry in ClinVar:

NM_004793.4(LONP1):c.1021G>C (p.Ala341Pro)

Gene: LONP1 (lon peptidase 1, mitochondrial; minus strand). Cytogenetic location: 19p13.3.
Variant type: single nucleotide variant.
Coding change: c.1021G>C on transcript NM_004793.4 (MANE Select); coding-DNA position 1021, G replaced by C.
Protein change: p.Ala341Pro; replaces alanine 341 with proline.
Molecular consequence: missense variant. On other transcripts: non-coding transcript variant (1).
Genome position (GRCh38, 1-based): chr19:5,707,738, C>G on the plus strand (G>C on the coding strand, the complement: LONP1 is on the minus strand). VCF-style: chr19-5707738-C-G. GRCh37 (hg19) VCF-style: chr19-5707749-C-G.
Other names: c.829G>C, p.Ala277Pro (NM_001276479.2); c.433G>C, p.Ala145Pro (NM_001276480.1); short protein forms A277P, A341P, A145P.
Identifiers: ClinVar variation 2708210 (VCV002708210.3), dbSNP rs2512413380, ClinGen allele CA403535957.
Genomic context (GRCh38, chr19:5,707,738, plus strand): 5'-GGAGGTGACGAGCACTCACATTGGTCTCTTCCAGGACGTCCTGCAGCTCATGGGACTCGG[C>G]CCCGGTGAGCGCGGCGCCCATGTCGCTCAGGTAGATGGGGTTGTCCACCACCCGCTGGCC-3'
Protein context (NP_004784.2, residues 331-351): LSDMGAALTG[Ala341Pro]ESHELQDVLE

ClinVar aggregate classification (germline): Uncertain significance (1 of 4 stars; one submission).

Submission:

Labcorp Genetics (formerly Invitae), Labcorp
Classification: Uncertain significance. Last evaluated: 2024-01-16. Review status: criteria provided, single submitter. Criteria: Invitae Variant Classification Sherloc (09022015). Collection method: clinical testing. Allele origin: germline.
Comment: This sequence change replaces alanine, which is neutral and non-polar, with proline, which is neutral and non-polar, at codon 341 of the LONP1 protein (p.Ala341Pro). This variant is not present in population databases (gnomAD no frequency). This variant has not been reported in the literature in individuals affected with LONP1-related conditions. Advanced modeling of protein sequence and biophysical properties (such as structural, functional, and spatial information, amino acid conservation, physicochemical variation, residue mobility, and thermodynamic stability) performed at Invitae indicates that this missense variant is not expected to disrupt LONP1 protein function with a negative predictive value of 80%. In summary, the available evidence is currently insufficient to determine the role of this variant in disease. Therefore, it has been classified as a Variant of Uncertain Significance.